The following is an entry in ClinVar:

ClinVar aggregate classification (germline): Uncertain significance. Review status: criteria provided, multiple submitters, no conflicts (2 of 4 stars). 2 submissions from 2 submitters: Uncertain significance (2). Last evaluated 2026-08-15.

Conditions:
Hereditary cancer-predisposing syndrome. Also called: Tumor predisposition; Hereditary Cancer Syndrome; Hereditary neoplastic syndrome; Neoplastic Syndromes, Hereditary. Identifiers: Orphanet 140162, MedGen C0027672, MeSH D009386, MONDO:0015356.

Submissions (2):

Ambry Genetics
Classification: Uncertain significance for Hereditary cancer-predisposing syndrome. Last evaluated: 2026-08-15. Review status: criteria provided, single submitter. Criteria: Ambry Variant Classification Scheme 2023. Collection method: clinical testing. Allele origin: germline.
Comment: The p.L668F variant (also known as c.2002C>T), located in coding exon 14 of the MSH3 gene, results from a C to T substitution at nucleotide position 2002. The leucine at codon 668 is replaced by phenylalanine, an amino acid with highly similar properties. This amino acid position is conserved. In addition, this alteration is predicted to be deleterious by in silico analysis. Based on the available evidence, the clinical significance of this variant remains unclear.

Labcorp Genetics (formerly Invitae), Labcorp
Classification: Uncertain significance. Last evaluated: 2023-01-22. Review status: criteria provided, single submitter. Criteria: Invitae Variant Classification Sherloc (09022015). Collection method: clinical testing. Allele origin: germline.
Comment: In summary, the available evidence is currently insufficient to determine the role of this variant in disease. Therefore, it has been classified as a Variant of Uncertain Significance. Algorithms developed to predict the effect of missense changes on protein structure and function are either unavailable or do not agree on the potential impact of this missense change (SIFT: "Deleterious"; PolyPhen-2: "Probably Damaging"; Align-GVGD: "Class C0"). This variant has not been reported in the literature in individuals affected with MSH3-related conditions. This variant is not present in population databases (gnomAD no frequency). This sequence change replaces leucine, which is neutral and non-polar, with phenylalanine, which is neutral and non-polar, at codon 668 of the MSH3 protein (p.Leu668Phe).

NM_002439.5(MSH3):c.2002C>T (p.Leu668Phe)

Gene: MSH3 (mutS homolog 3; plus strand). Cytogenetic location: 5q14.1.
Variant type: single nucleotide variant.
Coding change: c.2002C>T on transcript NM_002439.5 (MANE Select); coding-DNA position 2002, C replaced by T.
Protein change: p.Leu668Phe; replaces leucine 668 with phenylalanine.
Molecular consequence: missense variant.
Genome position (GRCh38, 1-based): chr5:80,768,038, C>T. VCF-style: chr5-80768038-C-T. GRCh37 (hg19) VCF-style: chr5-80063857-C-T.
Other names: c.2002C>T (NM_002439.3); short protein forms L668F.
Identifiers: ClinVar variation 2134971 (VCV002134971.5), dbSNP rs1744152400, ClinGen allele CA360277712.